The following is an entry in ClinVar:

ClinVar aggregate classification (germline): Benign/Likely benign. Review status: criteria provided, multiple submitters, no conflicts (2 of 4 stars). 3 submissions from 3 submitters: Benign (1); Likely benign (2). Last evaluated 2026-07-01.

Conditions:
Sessile serrated polyposis cancer syndrome (SSPCS). Identifiers: Orphanet 157798, MedGen C4310714, MONDO:0014919, OMIM 617108.

gnomAD v4.1: 1 of 1,525,234 alleles (0.000066%); highest among the groups gnomAD compares: South Asian, 0.0013%; no homozygotes.

Submissions (3):

Myriad Genetics, Inc.
Classification: Benign for Sessile serrated polyposis cancer syndrome. Last evaluated: 2026-07-01. Review status: criteria provided, single submitter. Criteria: Myriad Autosomal Dominant, Autosomal Recessive and X-Linked Classification Criteria (2023). Collection method: clinical testing. Allele origin: unknown.
Comment: This variant is considered benign. This variant is a silent/synonymous amino acid change and it is not expected to impact splicing.

Ambry Genetics
Classification: Likely benign. Last evaluated: 2026-02-21. Review status: criteria provided, single submitter. Criteria: Ambry Variant Classification Scheme 2023. Collection method: clinical testing. Allele origin: germline.

Labcorp Genetics (formerly Invitae), Labcorp
Classification: Likely benign. Last evaluated: 2022-07-21. Review status: criteria provided, single submitter. Criteria: Invitae Variant Classification Sherloc (09022015). Collection method: clinical testing. Allele origin: germline.

NM_017763.6(RNF43):c.1111C>A (p.Arg371=)

Gene: RNF43 (ring finger protein 43; minus strand). Cytogenetic location: 17q22.
Variant type: single nucleotide variant.
Coding change: c.1111C>A on transcript NM_017763.6 (MANE Select); coding-DNA position 1111, C replaced by A.
Protein change: p.Arg371=; no amino-acid change (arginine 371 retained).
Molecular consequence: synonymous variant.
Genome position (GRCh38, 1-based): chr17:58,358,665, G>T on the plus strand (C>A on the coding strand, the complement: RNF43 is on the minus strand). VCF-style: chr17-58358665-G-T. GRCh37 (hg19) VCF-style: chr17-56436026-G-T.
Other names: c.1111C>A, p.Arg371= (NM_001305544.3); c.730C>A, p.Arg244= (NM_001305545.2); c.1111C>A (NM_017763.4).
Identifiers: ClinVar variation 1967287 (VCV001967287.7), dbSNP rs771831816, ClinGen allele CA501053995.